The following is an entry in ClinVar:

NM_170682.4(P2RX2):c.910G>A (p.Ala304Thr)

Gene: P2RX2 (purinergic receptor P2X 2; plus strand). Cytogenetic location: 12q24.33.
Variant type: single nucleotide variant.
Coding change: c.910G>A on transcript NM_170682.4 (MANE Select); coding-DNA position 910, G replaced by A.
Protein change: p.Ala304Thr; replaces alanine 304 with threonine.
Molecular consequence: missense variant.
Genome position (GRCh38, 1-based): chr12:132,621,259, G>A. VCF-style: chr12-132621259-G-A. GRCh37 (hg19) VCF-style: chr12-133197845-G-A.
Other names: c.808G>A, p.Ala270Thr (NM_001282164.2); c.910G>A, p.Ala304Thr (NM_001282165.2, NM_170683.4, NM_174873.3); c.694G>A, p.Ala232Thr (NM_012226.5); c.838G>A, p.Ala280Thr (NM_016318.4); c.634G>A, p.Ala212Thr (NM_174872.3); short protein forms A232T, A304T, A212T, A280T, A270T.
Identifiers: ClinVar variation 517180 (VCV000517180.5), dbSNP rs1555299245, ClinGen allele CA387361348.

ClinVar aggregate classification (germline): Uncertain significance (1 of 4 stars; one submission).

Allele frequency attached by ClinVar (database versions not stated): gnomAD exomes below 0.00001.
gnomAD v4.1: 6 of 1,614,020 alleles (0.00037%); highest among the groups gnomAD compares: Non-Finnish European, 0.00042%; no homozygotes.

Submission:

Laboratory for Molecular Medicine, Mass General Brigham Personalized Medicine
Classification: Uncertain significance. Last evaluated: 2017-01-13. Review status: criteria provided, single submitter. Criteria: LMM Criteria. Collection method: clinical testing. Allele origin: germline. Observed: 1 variant allele.
Comment: The p.Ala304Thr variant in P2RX2 has not been previously reported in individuals with hearing loss or in large population studies. Computational prediction tool s and conservation analysis suggest that the p.Ala304Thr variant may impact the protein, though this information is not predictive enough to determine pathogeni city. In summary, the clinical significance of the p.Ala304Thr variant is uncert ain.